The following is an entry in ClinVar:

ClinVar aggregate classification (germline): Uncertain significance (1 of 4 stars; one submission).

Conditions:
Hyper-IgE recurrent infection syndrome 3, autosomal recessive. Also called: Autosomal recessive hyper-IgE syndrome due to ZNF341 deficiency; HYPER-IgE SYNDROME 3, AUTOSOMAL RECESSIVE, WITH RECURRENT INFECTIONS. Identifiers: Orphanet 641368, MedGen C4748969, MONDO:0032654, OMIM 618282.

Allele frequency attached by ClinVar (database versions not stated): gnomAD exomes 0.00001; ExAC 0.00002.
gnomAD v4.1: 8 of 1,613,916 alleles (0.0005%); highest among the groups gnomAD compares: Middle Eastern, 0.017%; no homozygotes.

Submission:

Labcorp Genetics (formerly Invitae), Labcorp
Classification: Uncertain significance for Combined immunodeficiency due to DOCK8 deficiency. Last evaluated: 2021-03-29. Review status: criteria provided, single submitter. Criteria: Invitae Variant Classification Sherloc (09022015). Collection method: clinical testing. Allele origin: germline.
Comment: This variant is present in population databases (rs775169884, ExAC 0.002%). In summary, the available evidence is currently insufficient to determine the role of this variant in disease. Therefore, it has been classified as a Variant of Uncertain Significance. Algorithms developed to predict the effect of missense changes on protein structure and function are either unavailable or do not agree on the potential impact of this missense change (SIFT: "Deleterious"; PolyPhen-2: "Probably Damaging"; Align-GVGD: "Class C15"). This variant has not been reported in the literature in individuals with DOCK8-related conditions. This sequence change replaces valine with methionine at codon 1068 of the DOCK8 protein (p.Val1068Met). The valine residue is highly conserved and there is a small physicochemical difference between valine and methionine.

NM_203447.4(DOCK8):c.3202G>A (p.Val1068Met)

Gene: DOCK8 (dedicator of cytokinesis 8; plus strand). Cytogenetic location: 9p24.3.
Variant type: single nucleotide variant.
Coding change: c.3202G>A on transcript NM_203447.4 (MANE Select); coding-DNA position 3202, G replaced by A.
Protein change: p.Val1068Met; replaces valine 1068 with methionine.
Molecular consequence: missense variant.
Genome position (GRCh38, 1-based): chr9:399,227, G>A. VCF-style: chr9-399227-G-A. GRCh37 (hg19) VCF-style: chr9-399227-G-A.
Other names: c.2902G>A, p.Val968Met (NM_001190458.2); c.2998G>A, p.Val1000Met (NM_001193536.2); short protein forms V1068M, V1000M, V968M.
Identifiers: ClinVar variation 1461095 (VCV001461095.6), dbSNP rs775169884, ClinGen allele CA4958555.